The following is an entry in ClinVar:

ClinVar aggregate classification (germline): Pathogenic (1 of 4 stars; one submission).

Conditions:
Perlman syndrome (PRLMNS). Identifiers: Orphanet 2849, MedGen C0796113, MONDO:0009965, OMIM 267000.

Submission:

Labcorp Genetics (formerly Invitae), Labcorp
Classification: Pathogenic for Perlman syndrome. Last evaluated: 2022-08-31. Review status: criteria provided, single submitter. Criteria: Invitae Variant Classification Sherloc (09022015). Collection method: clinical testing. Allele origin: germline.
Comment: This variant has not been reported in the literature in individuals affected with DIS3L2-related conditions. This sequence change creates a premature translational stop signal (p.Glu260Profs*11) in the DIS3L2 gene. It is expected to result in an absent or disrupted protein product. Loss-of-function variants in DIS3L2 are known to be pathogenic (PMID: 22306653, 28328139). This variant is not present in population databases (gnomAD no frequency). Algorithms developed to predict the effect of sequence changes on RNA splicing suggest that this variant may create or strengthen a splice site. For these reasons, this variant has been classified as Pathogenic.

Literature cited by the submitters: PubMed 22306653; PubMed 28328139.

NM_152383.5(DIS3L2):c.778_797del (p.Glu260fs)

Gene: DIS3L2 (DIS3 like 3'-5' exoribonuclease 2; plus strand). Cytogenetic location: 2q37.1.
Variant type: Deletion.
Coding change: c.778_797del on transcript NM_152383.5 (MANE Select); coding-DNA positions 778 to 797, 20 bases deleted (GAACTGTTTAGGAAATACGC).
Protein change: p.Glu260fs; shifts the reading frame from glutamic acid 260.
Molecular consequence: frameshift variant. On other transcripts: non-coding transcript variant (1).
Genome position (GRCh38, 1-based): chr2:232,136,547-232,136,566, GAACTGTTTAGGAAATACGC deleted; deleting any 20 consecutive bases within chr2:232,136,545-232,136,566 gives the same sequence; the c. name uses the placement nearest the transcript's 3' end. VCF-style (leftmost placement, unchanged base first): chr2-232136544-AGCGAACTGTTTAGGAAATAC-A. GRCh37 (hg19) VCF-style: chr2-233001254-AGCGAACTGTTTAGGAAATAC-A.
Other names: c.778_797del, p.Glu260fs (NM_001257281.2); short protein forms E260fs.
Identifiers: ClinVar variation 2028153 (VCV002028153.4), dbSNP rs2469848385, ClinGen allele CA2580066030.